The following is an entry in ClinVar:

NM_173689.7(CRB2):c.1066G>A (p.Glu356Lys)

Gene: CRB2 (crumbs cell polarity complex component 2; plus strand). Cytogenetic location: 9q33.3.
Variant type: single nucleotide variant.
Coding change: c.1066G>A on transcript NM_173689.7 (MANE Select); coding-DNA position 1066, G replaced by A.
Protein change: p.Glu356Lys; replaces glutamic acid 356 with lysine.
Molecular consequence: missense variant. On other transcripts: non-coding transcript variant (1).
Genome position (GRCh38, 1-based): chr9:123,370,119, G>A. VCF-style: chr9-123370119-G-A. GRCh37 (hg19) VCF-style: chr9-126132398-G-A.
Other names: short protein forms E356K.
Identifiers: ClinVar variation 3350049 (VCV003350049.1).
Genomic context (GRCh38, chr9:123,370,119, plus strand): 5'-TGATTCTGGCCCCAGACATTACTGAACCTTGGCTTTGTCTCTCCCAAAGGGCCGACATGT[G>A]AGGAAGATGTGGATGAATGCCTGTCGGATCCCTGCCTGCACGGCGGAACCTGCAGTGACA-3'
Protein context (NP_775960.4, residues 346-366): CPDGYAGPTC[Glu356Lys]EDVDECLSDP

ClinVar aggregate classification (germline): Uncertain significance (0 of 4 stars; one submission).

Conditions:
CRB2-related disorder. Also called: CRB2-related disorders; CRB2-related condition.

Submission:

PreventionGenetics, part of Exact Sciences
Classification: Uncertain significance for CRB2-related condition. Last evaluated: 2024-04-27. Review status: no assertion criteria provided. Collection method: clinical testing. Allele origin: germline.
Comment: The CRB2 c.1066G>A variant is predicted to result in the amino acid substitution p.Glu356Lys. To our knowledge, this variant has not been reported in the literature or in a large population database, indicating this variant is rare. At this time, the clinical significance of this variant is uncertain due to the absence of conclusive functional and genetic evidence.